The following is an entry in ClinVar:

ClinVar aggregate classification (germline): Uncertain significance (1 of 4 stars; one submission).

Conditions:
Infantile neuroaxonal dystrophy (NBIA2A). Also called: NEURODEGENERATION WITH BRAIN IRON ACCUMULATION 2A; SEITELBERGER DISEASE; Infantile neuroaxonal dystrophy 1. Identifiers: Orphanet 35069, MedGen C0270724, MONDO:0024457, OMIM 256600.

Allele frequency attached by ClinVar (database versions not stated): gnomAD exomes below 0.00001; TOPMed 0.00001.

Submission:

Labcorp Genetics (formerly Invitae), Labcorp
Classification: Uncertain significance for Infantile neuroaxonal dystrophy. Last evaluated: 2022-06-03. Review status: criteria provided, single submitter. Criteria: Invitae Variant Classification Sherloc (09022015). Collection method: clinical testing. Allele origin: germline.
Comment: This sequence change falls in intron 5 of the PLA2G6 gene. It does not directly change the encoded amino acid sequence of the PLA2G6 protein. It affects a nucleotide within the consensus splice site. In summary, the available evidence is currently insufficient to determine the role of this variant in disease. Therefore, it has been classified as a Variant of Uncertain Significance. Variants that disrupt the consensus splice site are a relatively common cause of aberrant splicing (PMID: 17576681, 9536098). Algorithms developed to predict the effect of sequence changes on RNA splicing suggest that this variant is not likely to affect RNA splicing. ClinVar contains an entry for this variant (Variation ID: 1442532). This variant has not been reported in the literature in individuals affected with PLA2G6-related conditions. This variant is present in population databases (no rsID available, gnomAD 0.0009%).

Literature cited by the submitters: PubMed 17576681; PubMed 9536098.

NM_003560.4(PLA2G6):c.798-3C>T

Gene: PLA2G6 (phospholipase A2 group VI; minus strand). Cytogenetic location: 22q13.1.
Variant type: single nucleotide variant.
Coding change: c.798-3C>T on transcript NM_003560.4 (MANE Select); 3 bases into the intron before coding-DNA position 798, C replaced by T.
Molecular consequence: intron variant.
Genome position (GRCh38, 1-based): chr22:38,135,087, G>A on the plus strand (C>T on the coding strand, the complement: PLA2G6 is on the minus strand). VCF-style: chr22-38135087-G-A. GRCh37 (hg19) VCF-style: chr22-38531094-G-A.
Other names: c.120-3C>T (NM_001349868.2); c.798-3C>T (NM_001349866.2, NM_001199562.3, NM_001349865.2 and 2 more transcripts); c.264-3C>T (NM_001349869.2, NM_001349867.2).
Identifiers: ClinVar variation 1442532 (VCV001442532.4), dbSNP rs961699742, ClinGen allele CA324203245.